The following is an entry in ClinVar:

ClinVar aggregate classification (germline): Benign/Likely benign. Review status: criteria provided, multiple submitters, no conflicts (2 of 4 stars). 6 submissions from 6 submitters: Benign (2); Likely benign (4). Last evaluated 2025-12-24.

Conditions:
TMEM126B-related disorder. Also called: TMEM126B-related condition.

Allele frequency attached by ClinVar (database versions not stated): gnomAD exomes 0.00022 and 0.00064; ExAC 0.00084; ESP Exome Variant Server 0.00177; gnomAD 0.00274 and 0.00290; TOPMed 0.00334; 1000 Genomes Project 0.00399; 1000 Genomes Project 30x 0.00484.
gnomAD v4.1: 754 of 1,607,026 alleles (0.047%); highest among the groups gnomAD compares: African/African-American, 0.86%; 2 homozygotes.

Submissions (6):

Labcorp Genetics (formerly Invitae), Labcorp
Classification: Benign. Last evaluated: 2025-12-24. Review status: criteria provided, single submitter. Criteria: Invitae Variant Classification Sherloc (09022015). Collection method: clinical testing. Allele origin: germline.

PreventionGenetics, part of Exact Sciences
Classification: Benign for TMEM126B-related condition. Last evaluated: 2025-03-13. Review status: criteria provided, single submitter. Criteria: ACMG Guidelines, 2015. Collection method: clinical testing. Allele origin: germline.
Comment: This variant is classified as benign based on ACMG/AMP sequence variant interpretation guidelines (Richards et al. 2015 PMID: 25741868, with internal and published modifications).

Blueprint Genetics
Classification: Likely benign. Last evaluated: 2024-07-04. Review status: criteria provided, single submitter. Criteria: ACMG Guidelines, 2015. Collection method: clinical testing. Allele origin: germline.

CeGaT Center for Human Genetics Tuebingen
Classification: Likely benign. Last evaluated: 2023-09-01. Review status: criteria provided, single submitter. Criteria: CeGaT Center For Human Genetics Tuebingen Variant Classification Criteria Version 2. Collection method: clinical testing. Allele origin: germline. Affected: yes. Observed: 1 variant allele.
Comment: TMEM126B: BP4, BS2

GeneDx
Classification: Likely benign. Last evaluated: 2020-07-10. Review status: criteria provided, single submitter. Criteria: GeneDx Variant Classification Process June 2021. Collection method: clinical testing. Allele origin: germline. Affected: yes.

Breakthrough Genomics
Classification: Likely benign. Review status: criteria provided, single submitter. Criteria: ACMG Guidelines, 2015. Collection method: not provided. Allele origin: germline. Inheritance: Autosomal recessive inheritance. Affected: yes.

NM_018480.7(TMEM126B):c.83T>C (p.Val28Ala)

Gene: TMEM126B (transmembrane protein 126B; plus strand). Cytogenetic location: 11q14.1.
Variant type: single nucleotide variant.
Coding change: c.83T>C on transcript NM_018480.7 (MANE Select); coding-DNA position 83, T replaced by C.
Protein change: p.Val28Ala; replaces valine 28 with alanine.
Molecular consequence: missense variant. On other transcripts: 5 prime UTR variant (3), non-coding transcript variant (2), intron variant (2).
Genome position (GRCh38, 1-based): chr11:85,631,688, T>C. VCF-style: chr11-85631688-T-C. GRCh37 (hg19) VCF-style: chr11-85342732-T-C.
Other names: c.23T>C, p.Val8Ala (NM_001193537.3, NM_001350395.2); c.-8T>C (NM_001193538.3, NM_001256546.2, NM_001350396.2); c.83T>C, p.Val28Ala (NM_001350394.2); c.66-2398T>C (NM_001256547.2); c.82-2398T>C (NM_001350393.1); short protein forms V28A, V8A.
Identifiers: ClinVar variation 1202470 (VCV001202470.38), dbSNP rs115581134, ClinGen allele CA6212362.